The following is an entry in ClinVar:

NM_206933.4(USH2A):c.6387A>G (p.Thr2129=)

Gene: USH2A (usherin; minus strand). Cytogenetic location: 1q41.
Variant type: single nucleotide variant.
Coding change: c.6387A>G on transcript NM_206933.4 (MANE Select); coding-DNA position 6387, A replaced by G.
Protein change: p.Thr2129=; no amino-acid change (threonine 2129 retained).
Molecular consequence: synonymous variant.
Genome position (GRCh38, 1-based): chr1:216,000,501, T>C on the plus strand (A>G on the coding strand, the complement: USH2A is on the minus strand). VCF-style: chr1-216000501-T-C. GRCh37 (hg19) VCF-style: chr1-216173843-T-C.
Identifiers: ClinVar variation 739654 (VCV000739654.18), dbSNP rs150282853, ClinGen allele CA1395154.

ClinVar aggregate classification (germline): Likely benign. Review status: criteria provided, multiple submitters, no conflicts (2 of 4 stars). 6 submissions from 5 submitters: Likely benign (5). 1 of the submissions does not count toward it. Last evaluated 2026-01-25.

Conditions:
USH2A-related disorder. Also called: USH2A-related condition; USH2A-related disorders. Identifiers: MedGen CN239332.
Usher syndrome type 2A. Also called: RETINAL DISEASE IN USHER SYNDROME TYPE IIA, MODIFIER OF; USHER SYNDROME, TYPE IIA. Identifiers: Orphanet 231178, Orphanet 886, MedGen C1848634, MONDO:0010169, OMIM 276901.
Retinitis pigmentosa 39 (RP39). Identifiers: Orphanet 791, MedGen C3151138, MONDO:0013436, OMIM 613809.

Allele frequency attached by ClinVar (database versions not stated): ExAC 0.00011; gnomAD exomes 0.00012; 1000 Genomes Project 30x 0.00016; 1000 Genomes Project 0.00020; TOPMed 0.00022; ESP Exome Variant Server 0.00031.
gnomAD v4.1: 333 of 1,613,736 alleles (0.021%); highest among the groups gnomAD compares: Middle Eastern, 0.17%; 2 homozygotes.

Submissions (6):

Labcorp Genetics (formerly Invitae), Labcorp
Classification: Likely benign. Last evaluated: 2026-01-25. Review status: criteria provided, single submitter. Criteria: Invitae Variant Classification Sherloc (09022015). Collection method: clinical testing. Allele origin: germline.

Blueprint Genetics
Classification: Likely benign. Last evaluated: 2024-10-29. Review status: criteria provided, single submitter. Criteria: ACMG Guidelines, 2015. Collection method: clinical testing. Allele origin: germline.

Genome-Nilou Lab
Classification: Likely benign for Usher syndrome type 2A. Last evaluated: 2021-07-22. Review status: criteria provided, single submitter. Criteria: ACMG Guidelines, 2015. Collection method: clinical testing. Allele origin: germline. Affected: no.

Genome-Nilou Lab
Classification: Likely benign for Retinitis pigmentosa 39. Last evaluated: 2021-07-22. Review status: criteria provided, single submitter. Criteria: ACMG Guidelines, 2015. Collection method: clinical testing. Allele origin: germline. Affected: no.

Breakthrough Genomics
Classification: Likely benign. Review status: criteria provided, single submitter. Criteria: ACMG Guidelines, 2015. Collection method: not provided. Allele origin: germline. Inheritance: Autosomal recessive inheritance. Affected: yes.

PreventionGenetics, part of Exact Sciences
Classification: Likely benign for USH2A-related condition. Last evaluated: 2020-03-16. Review status: no assertion criteria provided. Collection method: clinical testing. Allele origin: germline. Not counted in ClinVar's aggregate classification.
Comment: This variant is classified as likely benign based on ACMG/AMP sequence variant interpretation guidelines (Richards et al. 2015 PMID: 25741868, with internal and published modifications).